The following is an entry in ClinVar:

NM_017780.4(CHD7):c.4906G>T (p.Glu1636Ter)

Gene: CHD7 (chromodomain helicase DNA binding protein 7; plus strand). Cytogenetic location: 8q12.2.
Variant type: single nucleotide variant.
Coding change: c.4906G>T on transcript NM_017780.4 (MANE Select); coding-DNA position 4906, G replaced by T.
Protein change: p.Glu1636Ter; replaces glutamic acid 1636 with a stop codon.
Molecular consequence: nonsense. On other transcripts: intron variant (1).
Genome position (GRCh38, 1-based): chr8:60,844,919, G>T. VCF-style: chr8-60844919-G-T. GRCh37 (hg19) VCF-style: chr8-61757478-G-T.
Other names: c.1717-17310G>T (NM_001316690.1); short protein forms E1636*.
Identifiers: ClinVar variation 1075493 (VCV001075493.7), dbSNP rs2150793053, ClinGen allele CA371319841.

ClinVar aggregate classification (germline): Pathogenic (1 of 4 stars; one submission).

Conditions:
CHARGE syndrome (CHARGE). Also called: Hittner Hirsch Kreh syndrome; CHARGE ASSOCIATION--COLOBOMA, HEART ANOMALY, CHOANAL ATRESIA, RETARDATION, GENITAL AND EAR ANOMALIES; Coloboma, heart anomaly, choanal atresia, retardation, genital and ear anomalies; CHARGE association; Hall-Hittner syndrome. Identifiers: Orphanet 138, MedGen C0265354, MONDO:0008965.

Submission:

Labcorp Genetics (formerly Invitae), Labcorp
Classification: Pathogenic for CHARGE syndrome. Last evaluated: 2020-08-04. Review status: criteria provided, single submitter. Criteria: Invitae Variant Classification Sherloc (09022015). Collection method: clinical testing. Allele origin: germline.
Comment: For these reasons, this variant has been classified as Pathogenic. Loss-of-function variants in CHD7 are known to be pathogenic (PMID: 22461308, 25077900). This variant has not been reported in the literature in individuals with CHD7-related conditions. This variant is not present in population databases (ExAC no frequency). This sequence change creates a premature translational stop signal (p.Glu1636*) in the CHD7 gene. It is expected to result in an absent or disrupted protein product.

Literature cited by the submitters: PubMed 22461308; PubMed 25077900.